The following is an entry in ClinVar:

ClinVar aggregate classification (germline): Uncertain significance (1 of 4 stars; one submission).

Allele frequency attached by ClinVar (database versions not stated): gnomAD exomes below 0.00001; gnomAD 0.00002; TOPMed 0.00002.
gnomAD v4.1: 4 of 1,548,532 alleles (0.00026%); highest among the groups gnomAD compares: African/African-American, 0.0041%; no homozygotes.

Submission:

Labcorp Genetics (formerly Invitae), Labcorp
Classification: Uncertain significance. Last evaluated: 2023-02-14. Review status: criteria provided, single submitter. Criteria: Invitae Variant Classification Sherloc (09022015). Collection method: clinical testing. Allele origin: germline.
Comment: In summary, the available evidence is currently insufficient to determine the role of this variant in disease. Therefore, it has been classified as a Variant of Uncertain Significance. An algorithm developed to predict the effect of missense changes on protein structure and function (PolyPhen-2) suggests that this variant is likely to be disruptive. This variant has not been reported in the literature in individuals affected with AHDC1-related conditions. This variant is present in population databases (no rsID available, gnomAD 0.01%). This sequence change replaces leucine, which is neutral and non-polar, with phenylalanine, which is neutral and non-polar, at codon 1425 of the AHDC1 protein (p.Leu1425Phe).

NM_001371928.1(AHDC1):c.4273C>T (p.Leu1425Phe)

Gene: AHDC1 (AT-hook DNA binding motif containing 1; minus strand). Cytogenetic location: 1p36.11.
Variant type: single nucleotide variant.
Coding change: c.4273C>T on transcript NM_001371928.1 (MANE Select); coding-DNA position 4273, C replaced by T.
Protein change: p.Leu1425Phe; replaces leucine 1425 with phenylalanine.
Molecular consequence: missense variant.
Genome position (GRCh38, 1-based): chr1:27,547,843, G>A on the plus strand (C>T on the coding strand, the complement: AHDC1 is on the minus strand). VCF-style: chr1-27547843-G-A. GRCh37 (hg19) VCF-style: chr1-27874354-G-A.
Other names: c.4273C>T, p.Leu1425Phe (NM_001029882.3); c.229C>T, p.Leu77Phe (NM_015699.1); short protein forms L77F, L1425F.
Identifiers: ClinVar variation 2894452 (VCV002894452.3), dbSNP rs1298824243, ClinGen allele CA339223029.